The following is an entry in ClinVar:

NM_022340.4(RBSN):c.1475T>C (p.Leu492Pro)

Gene: RBSN (rabenosyn, RAB effector; minus strand). Cytogenetic location: 3p25.1.
Variant type: single nucleotide variant.
Coding change: c.1475T>C on transcript NM_022340.4 (MANE Select); coding-DNA position 1475, T replaced by C.
Protein change: p.Leu492Pro; replaces leucine 492 with proline.
Molecular consequence: missense variant.
Genome position (GRCh38, 1-based): chr3:15,074,662, A>G on the plus strand (T>C on the coding strand, the complement: RBSN is on the minus strand). VCF-style: chr3-15074662-A-G. GRCh37 (hg19) VCF-style: chr3-15116169-A-G.
Other names: c.1475T>C, p.Leu492Pro (NM_001302378.2); short protein forms L492P.
Identifiers: ClinVar variation 4851689 (VCV004851689.1).

ClinVar aggregate classification (germline): Uncertain significance (1 of 4 stars; one submission).

Submission:

Greenwood Genetic Center Diagnostic Laboratories, Greenwood Genetic Center
Classification: Uncertain significance. Last evaluated: 2025-02-18. Review status: criteria provided, single submitter. Criteria: ACMG Guidelines, 2015. Collection method: clinical testing. Allele origin: germline.
Comment: Gene of Uncertain Significance